The following is an entry in ClinVar:

NM_000719.7(CACNA1C):c.1613C>T (p.Thr538Met)

Gene: CACNA1C (calcium voltage-gated channel subunit alpha1 C; plus strand). Cytogenetic location: 12p13.33.
Variant type: single nucleotide variant.
Coding change: c.1613C>T on transcript NM_000719.7 (MANE Select); coding-DNA position 1613, C replaced by T.
Protein change: p.Thr538Met; replaces threonine 538 with methionine.
Molecular consequence: missense variant.
Genome position (GRCh38, 1-based): chr12:2,566,526, C>T. VCF-style: chr12-2566526-C-T. GRCh37 (hg19) VCF-style: chr12-2675692-C-T.
Other names: c.1613C>T, p.Thr538Met (NM_001129827.2, NM_001129829.2, NM_001129830.3 and 18 more transcripts); c.1604C>T, p.Thr535Met (NM_001129844.2); short protein forms T535M, T538M.
Identifiers: ClinVar variation 3775736 (VCV003775736.1).

ClinVar aggregate classification (germline): Uncertain significance (1 of 4 stars; one submission).

Conditions:
Neurodevelopmental disorder with hypotonia, language delay, and skeletal defects with or without seizures (NEDHLSS). Identifiers: MedGen C5774213, MONDO:0859286, OMIM 620029.

gnomAD v4.1: 2 of 1,595,458 alleles (0.00013%); highest among the groups gnomAD compares: Non-Finnish European, 0.00017%; no homozygotes.

Submission:

3billion
Classification: Uncertain significance for Neurodevelopmental disorder with hypotonia, language delay, and skeletal defects with or without seizures. Last evaluated: 2023-08-28. Review status: criteria provided, single submitter. Criteria: ACMG Guidelines, 2015. Collection method: clinical testing. Allele origin: germline. Affected: yes.
Comment: The variant is not observed in the gnomAD v2.1.1 dataset. Predicted Consequence/Location: Missense changes are a common disease-causing mechanism. In silico tool predictions suggest damaging effect of the variant on gene or gene product [REVEL: 0.91 (>=0.6, sensitivity 0.68 and specificity 0.92); 3Cnet: 0.65 (>=0.6, sensitivity 0.72 and precision 0.9)]. Therefore, this variant is classified as VUS according to the recommendation of ACMG/AMP guideline.